The following is an entry in ClinVar:

ClinVar aggregate classification (germline): Uncertain significance. Review status: criteria provided, multiple submitters, no conflicts (2 of 4 stars). 2 submissions from 2 submitters: Uncertain significance (2). Last evaluated 2025-02-19.

Conditions:
Inborn genetic diseases. Identifiers: MedGen C0950123, MeSH D030342.

Submissions (2):

Ambry Genetics
Classification: Uncertain significance for Inborn genetic diseases. Last evaluated: 2025-02-19. Review status: criteria provided, single submitter. Criteria: Ambry Variant Classification Scheme 2023. Collection method: clinical testing. Allele origin: germline.
Comment: The p.V234A variant (also known as c.701T>C), located in coding exon 7 of the USB1 gene, results from a T to C substitution at nucleotide position 701. The valine at codon 234 is replaced by alanine, an amino acid with similar properties. This amino acid position is conserved. In addition, this alteration is predicted to be tolerated by in silico analysis. Based on the available evidence, the clinical significance of this variant remains unclear.

Labcorp Genetics (formerly Invitae), Labcorp
Classification: Uncertain significance. Last evaluated: 2022-10-28. Review status: criteria provided, single submitter. Criteria: Invitae Variant Classification Sherloc (09022015). Collection method: clinical testing. Allele origin: germline.
Comment: In summary, the available evidence is currently insufficient to determine the role of this variant in disease. Therefore, it has been classified as a Variant of Uncertain Significance. Advanced modeling of protein sequence and biophysical properties (such as structural, functional, and spatial information, amino acid conservation, physicochemical variation, residue mobility, and thermodynamic stability) performed at Invitae indicates that this missense variant is not expected to disrupt USB1 protein function. This variant has not been reported in the literature in individuals affected with USB1-related conditions. This variant is not present in population databases (gnomAD no frequency). This sequence change replaces valine, which is neutral and non-polar, with alanine, which is neutral and non-polar, at codon 234 of the USB1 protein (p.Val234Ala).

NM_024598.4(USB1):c.701T>C (p.Val234Ala)

Gene: USB1 (U6 snRNA biogenesis phosphodiesterase 1; plus strand). Cytogenetic location: 16q21.
Variant type: single nucleotide variant.
Coding change: c.701T>C on transcript NM_024598.4 (MANE Select); coding-DNA position 701, T replaced by C.
Protein change: p.Val234Ala; replaces valine 234 with alanine.
Molecular consequence: missense variant.
Genome position (GRCh38, 1-based): chr16:58,020,148, T>C. VCF-style: chr16-58020148-T-C. GRCh37 (hg19) VCF-style: chr16-58054052-T-C.
Other names: c.647T>C, p.Val216Ala (NM_001195302.2); c.548T>C, p.Val183Ala (NM_001330568.2); short protein forms V216A, V234A, V183A.
Identifiers: ClinVar variation 1996288 (VCV001996288.5), dbSNP rs2544736556, ClinGen allele CA396130300.